The following is an entry in ClinVar:

ClinVar aggregate classification (germline): Pathogenic (1 of 4 stars; one submission).

Allele frequency attached by ClinVar (database versions not stated): ExAC 0.00001; gnomAD 0.00003; TOPMed 0.00003.

Submission:

Labcorp Genetics (formerly Invitae), Labcorp
Classification: Pathogenic. Last evaluated: 2024-01-11. Review status: criteria provided, single submitter. Criteria: Invitae Variant Classification Sherloc (09022015). Collection method: clinical testing. Allele origin: germline.
Comment: This sequence change creates a premature translational stop signal (p.Tyr146*) in the POLH gene. It is expected to result in an absent or disrupted protein product. Loss-of-function variants in POLH are known to be pathogenic (PMID: 11773631, 24130121, 25256075). This variant is present in population databases (rs781680603, gnomAD 0.01%). This premature translational stop signal has been observed in individual(s) with POLH-related conditions (PMID: 24130121). For these reasons, this variant has been classified as Pathogenic.

Literature cited by the submitters: PubMed 11773631; PubMed 24130121; PubMed 25256075.

NM_006502.3(POLH):c.437dup (p.Tyr146Ter)

Gene: POLH (DNA polymerase eta; plus strand). Cytogenetic location: 6p21.1.
Variant type: Duplication.
Coding change: c.437dup on transcript NM_006502.3 (MANE Select); coding-DNA position 437, one base duplicated (A; older notation c.437dupA).
Protein change: p.Tyr146Ter; replaces tyrosine 146 with a stop codon.
Molecular consequence: nonsense. On other transcripts: intron variant (1).
Genome position (GRCh38, 1-based): chr6:43,587,436, A duplicated. VCF-style (leftmost placement, unchanged base first): chr6-43587435-T-TA. GRCh37 (hg19) VCF-style: chr6-43555172-T-TA.
Other names: c.437dup, p.Tyr146Ter (NM_001291970.2); c.118+4295dup (NM_001291969.2); short protein forms Y146*.
Identifiers: ClinVar variation 2734867 (VCV002734867.3), dbSNP rs781680603, ClinGen allele CA3826969.